The following is an entry in ClinVar:

NM_002473.6(MYH9):c.3817G>A (p.Asp1273Asn)

Gene: MYH9 (myosin heavy chain 9; minus strand). Cytogenetic location: 22q12.3.
Variant type: single nucleotide variant.
Coding change: c.3817G>A on transcript NM_002473.6 (MANE Select); coding-DNA position 3817, G replaced by A.
Protein change: p.Asp1273Asn; replaces aspartic acid 1273 with asparagine.
Molecular consequence: missense variant.
Genome position (GRCh38, 1-based): chr22:36,294,112, C>T on the plus strand (G>A on the coding strand, the complement: MYH9 is on the minus strand). VCF-style: chr22-36294112-C-T. GRCh37 (hg19) VCF-style: chr22-36690158-C-T.
Other names: c.3817G>A (NM_002473.5); short protein forms D1273N.
Identifiers: ClinVar variation 1194904 (VCV001194904.14), dbSNP rs147031322, ClinGen allele CA10209561.

ClinVar aggregate classification (germline): Conflicting classifications of pathogenicity. Review status: criteria provided, conflicting classifications (1 of 4 stars). 4 submissions from 4 submitters: Uncertain significance (3); Likely benign (1). Last evaluated 2026-02-03.

Conditions:
MYH9-related disorder. Identifiers: MedGen C1854520.
Autosomal dominant nonsyndromic hearing loss 17. Also called: Deafness, autosomal dominant 17; Autosomal dominant nonsyndromic deafness 17. Identifiers: Orphanet 90635, MedGen C1863659, MONDO:0011350, OMIM 603622.
Macrothrombocytopenia and granulocyte inclusions with or without nephritis or sensorineural hearing loss (MATINS). Also called: DOHLE LEUKOCYTE INCLUSIONS WITH GIANT PLATELETS; MACROTHROMBOCYTOPENIA WITH LEUKOCYTE INCLUSIONS; BLEEDING DISORDER, PLATELET-TYPE, 6; SEBASTIAN PLATELET SYNDROME; MACROTHROMBOCYTOPENIA WITH DISPERSED LEUKOCYTIC INCLUSIONS; MACROTHROMBOCYTOPENIA, NEPHRITIS, AND DEAFNESS. Identifiers: Orphanet 182050, MedGen C5200934, MONDO:0015912, OMIM 155100.

Allele frequency attached by ClinVar (database versions not stated): ESP Exome Variant Server 0.00015.
gnomAD v4.1: 162 of 1,609,766 alleles (0.01%); highest among the groups gnomAD compares: Non-Finnish European, 0.013%; no homozygotes.

Submissions (4):

PreventionGenetics, part of Exact Sciences
Classification: Uncertain significance for MYH9-related condition. Last evaluated: 2026-02-03. Review status: criteria provided, single submitter. Criteria: ACMG Guidelines, 2015. Collection method: clinical testing. Allele origin: germline.
Comment: The MYH9 c.3817G>A variant is predicted to result in the amino acid substitution p.Asp1273Asn. To our knowledge, this variant has not been reported in the literature. This variant is reported in 0.0070% of alleles in individuals of European (Non-Finnish) descent in gnomAD. At this time, the clinical significance of this variant is uncertain due to the absence of conclusive functional and genetic evidence.

Labcorp Genetics (formerly Invitae), Labcorp
Classification: Likely benign. Last evaluated: 2025-09-28. Review status: criteria provided, single submitter. Criteria: Invitae Variant Classification Sherloc (09022015). Collection method: clinical testing. Allele origin: germline.

GeneDx
Classification: Uncertain significance. Last evaluated: 2025-07-01. Review status: criteria provided, single submitter. Criteria: GeneDx Variant Classification Process June 2021. Collection method: clinical testing. Allele origin: germline. Affected: yes.
Comment: In silico analysis supports that this missense variant has a deleterious effect on protein structure/function; Has not been previously published as pathogenic or benign to our knowledge

Fulgent Genetics
Classification: Uncertain significance for Macrothrombocytopenia and granulocyte inclusions with or without nephritis or sensorineural hearing loss; Autosomal dominant nonsyndromic hearing loss 17. Last evaluated: 2024-01-10. Review status: criteria provided, single submitter. Criteria: ACMG Guidelines, 2015. Collection method: clinical testing. Allele origin: germline.